The following is an entry in ClinVar:

NM_014244.5(ADAMTS2):c.1930C>T (p.Leu644=)

Gene: ADAMTS2 (ADAM metallopeptidase with thrombospondin type 1 motif 2; minus strand). Cytogenetic location: 5q35.3.
Variant type: single nucleotide variant.
Coding change: c.1930C>T on transcript NM_014244.5 (MANE Select); coding-DNA position 1930, C replaced by T.
Protein change: p.Leu644=; no amino-acid change (leucine 644 retained).
Molecular consequence: synonymous variant.
Genome position (GRCh38, 1-based): chr5:179,137,790, G>A on the plus strand (C>T on the coding strand, the complement: ADAMTS2 is on the minus strand). VCF-style: chr5-179137790-G-A. GRCh37 (hg19) VCF-style: chr5-178564791-G-A.
Other names: c.1930C>T (NM_014244.4).
Identifiers: ClinVar variation 1140306 (VCV001140306.10), dbSNP rs1450097151, ClinGen allele CA448037198.

ClinVar aggregate classification (germline): Conflicting classifications of pathogenicity. Review status: criteria provided, conflicting classifications (1 of 4 stars). 2 submissions from 2 submitters: Uncertain significance (1); Likely benign (1). Last evaluated 2024-05-08.

Conditions:
Ehlers-Danlos syndrome, dermatosparaxis type. Also called: Dermatosparaxis; Ehlers-Danlos syndrome, type VII, autosomal recessive; EDS VIIC. Identifiers: Orphanet 1901, MedGen C2700425, MONDO:0009161, OMIM 225410.

Allele frequency attached by ClinVar (database versions not stated): gnomAD exomes below 0.00001 and 0.00001; gnomAD 0.00001; TOPMed 0.00002.
gnomAD v4.1: 5 of 1,573,904 alleles (0.00032%); highest among the groups gnomAD compares: Middle Eastern, 0.02%; no homozygotes.

Submissions (2):

GeneDx
Classification: Uncertain significance. Last evaluated: 2024-05-08. Review status: criteria provided, single submitter. Criteria: GeneDx Variant Classification Process June 2021. Collection method: clinical testing. Allele origin: germline. Affected: yes.
Comment: Not observed at a significant frequency in large population cohorts (gnomAD); In silico analysis indicates that this variant does not alter splicing; Has not been previously published as pathogenic or benign to our knowledge

Labcorp Genetics (formerly Invitae), Labcorp
Classification: Likely benign for Ehlers-Danlos syndrome, dermatosparaxis type. Last evaluated: 2024-02-09. Review status: criteria provided, single submitter. Criteria: Invitae Variant Classification Sherloc (09022015). Collection method: clinical testing. Allele origin: germline.